The following is an entry in ClinVar:

ClinVar aggregate classification (germline): Uncertain significance (1 of 4 stars; one submission).

Submission:

Labcorp Genetics (formerly Invitae), Labcorp
Classification: Uncertain significance. Last evaluated: 2024-05-20. Review status: criteria provided, single submitter. Criteria: Invitae Variant Classification Sherloc (09022015). Collection method: clinical testing. Allele origin: germline.
Comment: This sequence change replaces isoleucine, which is neutral and non-polar, with threonine, which is neutral and polar, at codon 315 of the EXOSC9 protein (p.Ile315Thr). This variant is present in population databases (rs770629761, gnomAD 0.002%). This variant has not been reported in the literature in individuals affected with EXOSC9-related conditions. Advanced modeling of protein sequence and biophysical properties (such as structural, functional, and spatial information, amino acid conservation, physicochemical variation, residue mobility, and thermodynamic stability) performed at Invitae indicates that this missense variant is not expected to disrupt EXOSC9 protein function with a negative predictive value of 80%. In summary, the available evidence is currently insufficient to determine the role of this variant in disease. Therefore, it has been classified as a Variant of Uncertain Significance.

NM_005033.3(EXOSC9):c.944T>C (p.Ile315Thr)

Gene: EXOSC9 (exosome component 9; plus strand). Cytogenetic location: 4q27.
Variant type: single nucleotide variant.
Coding change: c.944T>C on transcript NM_005033.3 (MANE Select); coding-DNA position 944, T replaced by C.
Protein change: p.Ile315Thr; replaces isoleucine 315 with threonine.
Molecular consequence: missense variant.
Genome position (GRCh38, 1-based): chr4:121,813,350, T>C. VCF-style: chr4-121813350-T-C. GRCh37 (hg19) VCF-style: chr4-122734505-T-C.
Other names: c.944T>C, p.Ile315Thr (NM_001034194.2); short protein forms I315T.
Identifiers: ClinVar variation 3604547 (VCV003604547.2).